The following is an entry in ClinVar:

ClinVar aggregate classification (germline): Uncertain significance (1 of 4 stars; one submission).

Submission:

GeneDx
Classification: Uncertain significance. Last evaluated: 2022-02-04. Review status: criteria provided, single submitter. Criteria: GeneDx Variant Classification Process June 2021. Collection method: clinical testing. Allele origin: germline. Affected: yes.
Comment: Not observed at significant frequency in large population cohorts (gnomAD); In silico analysis supports that this missense variant has a deleterious effect on protein structure/function; Has not been previously published as pathogenic or benign to our knowledge

NM_015570.4(AUTS2):c.224G>C (p.Arg75Thr)

Gene: AUTS2 (activator of transcription and developmental regulator AUTS2; plus strand). Cytogenetic location: 7q11.22.
Variant type: single nucleotide variant.
Coding change: c.224G>C on transcript NM_015570.4 (MANE Select); coding-DNA position 224, G replaced by C.
Protein change: p.Arg75Thr; replaces arginine 75 with threonine.
Molecular consequence: missense variant.
Genome position (GRCh38, 1-based): chr7:69,599,877, G>C. VCF-style: chr7-69599877-G-C. GRCh37 (hg19) VCF-style: chr7-69064863-G-C.
Other names: c.224G>C, p.Arg75Thr (NM_001127231.3, NM_001127232.3); short protein forms R75T.
Identifiers: ClinVar variation 1700371 (VCV001700371.2), dbSNP rs2129067562, ClinGen allele CA367703099.